The following is an entry in ClinVar:

ClinVar aggregate classification (germline): Pathogenic (1 of 4 stars; one submission).

Submission:

GeneDx
Classification: Pathogenic. Last evaluated: 2024-09-26. Review status: criteria provided, single submitter. Criteria: GeneDx Variant Classification Process June 2021. Collection method: clinical testing. Allele origin: germline. Affected: yes.
Comment: Within the NfI_DNA Binding Pre N domain (PMID: 22982744); In silico analysis supports that this missense variant has a deleterious effect on protein structure/function; Not observed at significant frequency in large population cohorts (gnomAD); Has not been previously published as pathogenic or benign to our knowledge; This variant is associated with the following publications: (PMID: 22982744)

NM_001365902.3(NFIX):c.88T>G (p.Trp30Gly)

Gene: NFIX (nuclear factor I X; plus strand). Cytogenetic location: 19p13.13.
Variant type: single nucleotide variant.
Coding change: c.88T>G on transcript NM_001365902.3 (MANE Select); coding-DNA position 88, T replaced by G.
Protein change: p.Trp30Gly; replaces tryptophan 30 with glycine.
Molecular consequence: missense variant. On other transcripts: 5 prime UTR variant (1).
Genome position (GRCh38, 1-based): chr19:13,025,081, T>G. VCF-style: chr19-13025081-T-G. GRCh37 (hg19) VCF-style: chr19-13135895-T-G.
Other names: c.112T>G, p.Trp38Gly (NM_001271043.2); c.64T>G, p.Trp22Gly (NM_001271044.3, NM_001378404.1); c.88T>G, p.Trp30Gly (NM_001365982.2, NM_002501.4); c.-54T>G (NM_001365983.2); c.85T>G, p.Trp29Gly (NM_001365984.2, NM_001365985.2); c.136T>G, p.Trp46Gly (NM_001378405.1); short protein forms W22G, W29G, W30G, W38G, W46G.
Identifiers: ClinVar variation 3774927 (VCV003774927.1).